The following is an entry in ClinVar:

NM_175614.5(NDUFA11):c.314-2A>G

Gene: NDUFA11 (NADH:ubiquinone oxidoreductase subunit A11; minus strand). Cytogenetic location: 19p13.3.
Variant type: single nucleotide variant.
Coding change: c.314-2A>G on transcript NM_175614.5 (MANE Select); the canonical splice acceptor site of the intron before coding-DNA position 314, A replaced by G.
Molecular consequence: splice acceptor variant. On other transcripts: intron variant (1).
Genome position (GRCh38, 1-based): chr19:5,894,856, T>C on the plus strand (A>G on the coding strand, the complement: NDUFA11 is on the minus strand). VCF-style: chr19-5894856-T-C. GRCh37 (hg19) VCF-style: chr19-5894867-T-C.
Other names: c.314-1566A>G (NM_001193375.3).
Identifiers: ClinVar variation 214694 (VCV000214694.2), dbSNP rs863224079, ClinGen allele CA320043.

ClinVar aggregate classification (germline): Pathogenic (1 of 4 stars; one submission).

Allele frequency attached by ClinVar (database versions not stated): gnomAD exomes below 0.00001; TOPMed 0.00001.
gnomAD v4.1: 2 of 1,599,926 alleles (0.00013%); highest among the groups gnomAD compares: Non-Finnish European, 0.000085%; no homozygotes.

Submission:

GeneDx
Classification: Pathogenic. Last evaluated: 2014-10-07. Review status: criteria provided, single submitter. Criteria: GeneDx Variant Classification (06012015). Collection method: clinical testing. Allele origin: germline. Affected: yes.
Comment: c.314-2 A>G: IVS3-2 A>G in intron 3 of the NDUFA11 gene (NM_175614.2). The c.314-2 A>G splice site mutation in the NDUFA11 gene destroys the canonical splice acceptor site for exon 4. It is predicted to cause abnormal gene splicing, either leading to an abnormal message that is subject to nonsense-mediated mRNA decay, or to an abnormal protein product if the message is used for protein translation. Although this mutation has not been previously reported to our knowledge, it is expected to be pathogenic. The variant is found in MITONUC-MITOP panel(s).